The following is an entry in ClinVar:

NM_001927.4(DES):c.80G>A (p.Gly27Asp)

Gene: DES (desmin; plus strand). Cytogenetic location: 2q35.
Variant type: single nucleotide variant.
Coding change: c.80G>A on transcript NM_001927.4 (MANE Select); coding-DNA position 80, G replaced by A.
Protein change: p.Gly27Asp; replaces glycine 27 with aspartic acid.
Molecular consequence: missense variant.
Genome position (GRCh38, 1-based): chr2:219,418,542, G>A. VCF-style: chr2-219418542-G-A. GRCh37 (hg19) VCF-style: chr2-220283264-G-A.
Other names: c.80G>A (LRG_380t1); short protein forms G27D.
Identifiers: ClinVar variation 645099 (VCV000645099.10), dbSNP rs1575012966, ClinGen allele CA350682712.

ClinVar aggregate classification (germline): Uncertain significance. Review status: criteria provided, multiple submitters, no conflicts (2 of 4 stars). 2 submissions from 2 submitters: Uncertain significance (2). Last evaluated 2022-08-27.

Conditions:
Desmin-related myofibrillar myopathy (MFM1). Also called: MYOFIBRILLAR MYOPATHY WITH ARRHYTHMOGENIC RIGHT VENTRICULAR CARDIOMYOPATHY; DESMIN-RELATED MYOPATHY WITH ARRHYTHMOGENIC RIGHT VENTRICULAR CARDIOMYOPATHY; Desmin related myopathy (former name); Desmin storage myopathy (former name); Myofibrillar myopathy 1; Desminopathy. Identifiers: Orphanet 363543, Orphanet 98909, MedGen C1832370, MONDO:0011076, OMIM 601419.

Allele frequency attached by ClinVar (database versions not stated): gnomAD exomes below 0.00001.

Submissions (2):

Labcorp Genetics (formerly Invitae), Labcorp
Classification: Uncertain significance for Desmin-related myofibrillar myopathy. Last evaluated: 2022-08-27. Review status: criteria provided, single submitter. Criteria: Invitae Variant Classification Sherloc (09022015). Collection method: clinical testing. Allele origin: germline.
Comment: In summary, the available evidence is currently insufficient to determine the role of this variant in disease. Therefore, it has been classified as a Variant of Uncertain Significance. Algorithms developed to predict the effect of missense changes on protein structure and function are either unavailable or do not agree on the potential impact of this missense change (SIFT: "Tolerated"; PolyPhen-2: "Not Available"; Align-GVGD: "Class C0"). ClinVar contains an entry for this variant (Variation ID: 645099). This variant has not been reported in the literature in individuals affected with DES-related conditions. This variant is not present in population databases (gnomAD no frequency). This sequence change replaces glycine, which is neutral and non-polar, with aspartic acid, which is acidic and polar, at codon 27 of the DES protein (p.Gly27Asp).

Blueprint Genetics
Classification: Uncertain significance. Last evaluated: 2022-05-02. Review status: criteria provided, single submitter. Criteria: ACMG Guidelines, 2015. Collection method: clinical testing. Allele origin: germline.